The following is an entry in ClinVar:

NM_001379500.1(COL18A1):c.3377C>T (p.Pro1126Leu)

Genes: COL18A1 (collagen type XVIII alpha 1 chain; plus strand), SLC19A1 (solute carrier family 19 member 1; minus strand). Cytogenetic location: 21q22.3.
Variant type: single nucleotide variant.
Coding change: c.3377C>T on transcript NM_001379500.1 (MANE Select); coding-DNA position 3377, C replaced by T.
Protein change: p.Pro1126Leu; replaces proline 1126 with leucine.
Molecular consequence: missense variant.
Genome position (GRCh38, 1-based): chr21:45,509,483, C>T. VCF-style: chr21-45509483-C-T. GRCh37 (hg19) VCF-style: chr21-46929397-C-T.
Other names: c.3908C>T, p.Pro1303Leu (NM_030582.4); c.4613C>T, p.Pro1538Leu (NM_130444.3); short protein forms P1303L, P1538L, P1126L.
Identifiers: ClinVar variation 1917464 (VCV001917464.3), dbSNP rs1022303980, ClinGen allele CA410500914.

ClinVar aggregate classification (germline): Uncertain significance (1 of 4 stars; one submission).

Allele frequency attached by ClinVar (database versions not stated): gnomAD 0.00001; TOPMed 0.00001.
gnomAD v4.1: 4 of 1,527,606 alleles (0.00026%); highest among the groups gnomAD compares: East Asian, 0.0024%; no homozygotes.

Submission:

Labcorp Genetics (formerly Invitae), Labcorp
Classification: Uncertain significance. Last evaluated: 2023-04-05. Review status: criteria provided, single submitter. Criteria: Invitae Variant Classification Sherloc (09022015). Collection method: clinical testing. Allele origin: germline.
Comment: Experimental studies and prediction algorithms are not available or were not evaluated, and the functional significance of this variant is currently unknown. In summary, the available evidence is currently insufficient to determine the role of this variant in disease. Therefore, it has been classified as a Variant of Uncertain Significance. ClinVar contains an entry for this variant (Variation ID: 1917464). This variant has not been reported in the literature in individuals affected with COL18A1-related conditions. The frequency data for this variant in the population databases is considered unreliable, as metrics indicate poor data quality at this position in the gnomAD database. This sequence change replaces proline, which is neutral and non-polar, with leucine, which is neutral and non-polar, at codon 1123 of the COL18A1 protein (p.Pro1123Leu).